The following is an entry in ClinVar:

ClinVar aggregate classification (germline): Uncertain significance. Review status: criteria provided, multiple submitters, no conflicts (2 of 4 stars). 2 submissions from 2 submitters: Uncertain significance (2). Last evaluated 2025-05-21.

Conditions:
Hypertrophic cardiomyopathy. Also called: HYPERTROPHIC MYOCARDIOPATHY. Identifiers: Orphanet 217569, MedGen C0007194, MeSH D002312, MONDO:0005045, HP:0001639.

Allele frequency attached by ClinVar (database versions not stated): gnomAD exomes below 0.00001; TOPMed 0.00001.
gnomAD v4.1: 1 of 1,611,146 alleles (0.000062%); highest among the groups gnomAD compares: Admixed American, 0.0017%; no homozygotes.

Submissions (2):

Labcorp Genetics (formerly Invitae), Labcorp
Classification: Uncertain significance for Hypertrophic cardiomyopathy. Last evaluated: 2025-05-21. Review status: criteria provided, single submitter. Criteria: Invitae Variant Classification Sherloc (09022015). Collection method: clinical testing. Allele origin: germline.
Comment: This sequence change replaces aspartic acid, which is acidic and polar, with glycine, which is neutral and non-polar, at codon 1027 of the MYBPC3 protein (p.Asp1027Gly). This variant is present in population databases (no rsID available, gnomAD 0.003%). This variant has not been reported in the literature in individuals affected with MYBPC3-related conditions. ClinVar contains an entry for this variant (Variation ID: 1054332). An algorithm developed to predict the effect of missense changes on protein structure and function (PolyPhen-2) suggests that this variant is likely to be tolerated. In summary, the available evidence is currently insufficient to determine the role of this variant in disease. Therefore, it has been classified as a Variant of Uncertain Significance.

All of Us Research Program, National Institutes of Health
Classification: Uncertain significance for Hypertrophic cardiomyopathy. Last evaluated: 2024-05-17. Review status: criteria provided, single submitter. Criteria: ACMG Guidelines, 2015. Collection method: clinical testing. Allele origin: germline. Inheritance: Autosomal dominant inheritance. Observed: 1 variant allele, 1 heterozygote.
Comment: This study involves interpretation of variants in research participants for the purpose of population health screening. Participant phenotype was not available at the time of variant classification. Additional details can be found in publication PMID: 35346344, PMCID: PMC8962531

NM_000256.3(MYBPC3):c.3080A>G (p.Asp1027Gly)

Gene: MYBPC3 (myosin binding protein C3; minus strand). Cytogenetic location: 11p11.2.
Variant type: single nucleotide variant.
Coding change: c.3080A>G on transcript NM_000256.3 (MANE Select); coding-DNA position 3080, A replaced by G.
Protein change: p.Asp1027Gly; replaces aspartic acid 1027 with glycine.
Molecular consequence: missense variant.
Genome position (GRCh38, 1-based): chr11:47,333,667, T>C on the plus strand (A>G on the coding strand, the complement: MYBPC3 is on the minus strand). VCF-style: chr11-47333667-T-C. GRCh37 (hg19) VCF-style: chr11-47355218-T-C.
Other names: short protein forms D1027G.
Identifiers: ClinVar variation 1054332 (VCV001054332.8), dbSNP rs996305080, ClinGen allele CA221682830.